The following is an entry in ClinVar:

NM_014391.3(ANKRD1):c.116T>A (p.Leu39Ter)

Gene: ANKRD1 (ankyrin repeat domain 1; minus strand). Cytogenetic location: 10q23.31.
Variant type: single nucleotide variant.
Coding change: c.116T>A on transcript NM_014391.3 (MANE Select); coding-DNA position 116, T replaced by A.
Protein change: p.Leu39Ter; replaces leucine 39 with a stop codon.
Molecular consequence: nonsense.
Genome position (GRCh38, 1-based): chr10:90,920,260, A>T on the plus strand (T>A on the coding strand, the complement: ANKRD1 is on the minus strand). VCF-style: chr10-90920260-A-T. GRCh37 (hg19) VCF-style: chr10-92680017-A-T.
Other names: short protein forms L39*.
Identifiers: ClinVar variation 3630041 (VCV003630041.2).
Genomic context (GRCh38, chr10:90,920,260, plus strand): 5'-TGTTGCTCCCCCAGGGTCACAGGGTGGGCTAGAAGTGTCTTCAGATCCTCCTGCTTCTCT[A>T]AAGTAACAGCAGCTTCATACTCTCCATCTCTGAAATCCTCAGGAAGGAATTCCCCTGCCT-3'

ClinVar aggregate classification (germline): Uncertain significance (1 of 4 stars; one submission).

Submission:

Women's Health and Genetics/Laboratory Corporation of America, LabCorp
Classification: Uncertain significance. Last evaluated: 2026-04-06. Review status: criteria provided, single submitter. Criteria: LabCorp Variant Classification Summary - May 2015. Collection method: clinical testing. Allele origin: germline.
Comment: Variant summary: ANKRD1 c.116T>A (p.Leu39X) results in a premature termination codon, predicted to cause a truncation of the encoded protein or absence of the protein due to nonsense mediated decay, however current evidence is not sufficient to establish loss of function as a mechanism for disease. The variant was absent in 251288 control chromosomes. The available data on variant occurrences in the general population are insufficient to allow any conclusion about variant significance. To our knowledge, no occurrence of c.116T>A in individuals affected with ANKRD1-related conditions and no experimental evidence demonstrating its impact on protein function have been reported. ClinVar contains an entry for this variant (Variation ID: 3630041). Based on the evidence outlined above, the variant was classified as uncertain significance.